The following is an entry in ClinVar:

NM_001283009.2(RTEL1):c.3534G>C (p.Gln1178His)

Genes: RTEL1 (regulator of telomere elongation helicase 1; plus strand), RTEL1-TNFRSF6B (RTEL1-TNFRSF6B readthrough (NMD candidate); plus strand). Cytogenetic location: 20q13.33.
Variant type: single nucleotide variant.
Coding change: c.3534G>C on transcript NM_001283009.2 (MANE Select); coding-DNA position 3534, G replaced by C.
Protein change: p.Gln1178His; replaces glutamine 1178 with histidine.
Molecular consequence: missense variant. On other transcripts: non-coding transcript variant (1).
Genome position (GRCh38, 1-based): chr20:63,695,362, G>C. VCF-style: chr20-63695362-G-C. GRCh37 (hg19) VCF-style: chr20-62326715-G-C.
Other names: c.2865G>C, p.Gln955His (NM_001283010.1); c.3534G>C, p.Gln1178His (NM_016434.4); c.3606G>C, p.Gln1202His (NM_032957.5); short protein forms Q1178H, Q1202H, Q955H.
Identifiers: ClinVar variation 1024224 (VCV001024224.14), dbSNP rs781484810, ClinGen allele CA409685623.

ClinVar aggregate classification (germline): Uncertain significance. Review status: criteria provided, multiple submitters, no conflicts (2 of 4 stars). 2 submissions from 2 submitters: Uncertain significance (2). Last evaluated 2025-04-19.

Conditions:
Dyskeratosis congenita, autosomal recessive 5 (DKCB5). Identifiers: MedGen C3554656, MONDO:0014076, OMIM 615190.
Pulmonary fibrosis and/or bone marrow failure, Telomere-related, 3. Also called: PULMONARY FIBROSIS AND/OR BONE MARROW FAILURE SYNDROME, TELOMERE-RELATED, 3. Identifiers: Orphanet 2032, MedGen C4225346, MONDO:0014613, OMIM 616373.
Inborn genetic diseases. Identifiers: MedGen C0950123, MeSH D030342.

gnomAD v4.1: 1 of 1,549,390 alleles (0.000065%); highest among the groups gnomAD compares: Non-Finnish European, 0.000087%; no homozygotes.

Submissions (2):

Ambry Genetics
Classification: Uncertain significance for Inborn genetic diseases. Last evaluated: 2025-04-19. Review status: criteria provided, single submitter. Criteria: Ambry Variant Classification Scheme 2023. Collection method: clinical testing. Allele origin: germline.
Comment: The p.Q1178H variant (also known as c.3534G>C), located in coding exon 33 of the RTEL1 gene, results from a G to C substitution at nucleotide position 3534. The glutamine at codon 1178 is replaced by histidine, an amino acid with highly similar properties. This amino acid position is conserved. In addition, the in silico prediction for this alteration is inconclusive. Based on the available evidence, the clinical significance of this variant remains unclear.

Labcorp Genetics (formerly Invitae), Labcorp
Classification: Uncertain significance for Dyskeratosis congenita, autosomal recessive 5; Pulmonary fibrosis and/or bone marrow failure, Telomere-related, 3. Last evaluated: 2021-06-04. Review status: criteria provided, single submitter. Criteria: Invitae Variant Classification Sherloc (09022015). Collection method: clinical testing. Allele origin: germline.
Comment: In summary, the available evidence is currently insufficient to determine the role of this variant in disease. Therefore, it has been classified as a Variant of Uncertain Significance. This sequence change replaces glutamine with histidine at codon 1178 of the RTEL1 protein (p.Gln1178His). The glutamine residue is weakly conserved and there is a small physicochemical difference between glutamine and histidine. This variant is not present in population databases (ExAC no frequency). This variant has not been reported in the literature in individuals with RTEL1-related conditions. Algorithms developed to predict the effect of missense changes on protein structure and function are either unavailable or do not agree on the potential impact of this missense change (SIFT: "Deleterious"; PolyPhen-2: "Benign"; Align-GVGD: "Class C0").